The following is an entry in ClinVar:

NM_001010874.5(TECRL):c.308G>A (p.Arg103Gln)

Gene: TECRL (trans-2,3-enoyl-CoA reductase like; minus strand). Cytogenetic location: 4q13.1.
Variant type: single nucleotide variant.
Coding change: c.308G>A on transcript NM_001010874.5 (MANE Select); coding-DNA position 308, G replaced by A.
Protein change: p.Arg103Gln; replaces arginine 103 with glutamine.
Molecular consequence: missense variant.
Genome position (GRCh38, 1-based): chr4:64,328,535, C>T on the plus strand (G>A on the coding strand, the complement: TECRL is on the minus strand). VCF-style: chr4-64328535-C-T. GRCh37 (hg19) VCF-style: chr4-65194253-C-T.
Other names: c.308G>A, p.Arg103Gln (NM_001363796.1); short protein forms R103Q.
Identifiers: ClinVar variation 3175651 (VCV003175651.2), dbSNP rs1331118766, ClinGen allele CA357145855.

ClinVar aggregate classification (germline): Uncertain significance (1 of 4 stars; one submission).

Conditions:
Cardiovascular phenotype. Identifiers: MedGen CN230736.

Allele frequency attached by ClinVar (database versions not stated): gnomAD exomes 0.00001; gnomAD 0.00001; TOPMed 0.00001.
gnomAD v4.1: 10 of 1,611,102 alleles (0.00062%); highest among the groups gnomAD compares: East Asian, 0.0067%; no homozygotes.

Submission:

Ambry Genetics
Classification: Uncertain significance for Cardiovascular phenotype. Last evaluated: 2026-06-21. Review status: criteria provided, single submitter. Criteria: Ambry Variant Classification Scheme 2023. Collection method: clinical testing. Allele origin: germline.
Comment: The p.R103Q variant (also known as c.308G>A), located in coding exon 3 of the TECRL gene, results from a G to A substitution at nucleotide position 308. The arginine at codon 103 is replaced by glutamine, an amino acid with highly similar properties. This amino acid position is conserved. In addition, this alteration is predicted to be tolerated by in silico analysis. Based on the available evidence, the clinical significance of this variant remains unclear.